The following is an entry in ClinVar:

ClinVar aggregate classification (germline): Uncertain significance. Review status: criteria provided, multiple submitters, no conflicts (2 of 4 stars). 2 submissions from 2 submitters: Uncertain significance (2). Last evaluated 2024-01-02.

Conditions:
Inborn genetic diseases. Identifiers: MedGen C0950123, MeSH D030342.

Allele frequency attached by ClinVar (database versions not stated): ESP Exome Variant Server 0.00015; 1000 Genomes Project 30x 0.00016; 1000 Genomes Project 0.00020.
gnomAD v4.1: 52 of 1,564,050 alleles (0.0033%); highest among the groups gnomAD compares: African/African-American, 0.054%; no homozygotes.

Submissions (2):

Labcorp Genetics (formerly Invitae), Labcorp
Classification: Uncertain significance. Last evaluated: 2024-01-02. Review status: criteria provided, single submitter. Criteria: Invitae Variant Classification Sherloc (09022015). Collection method: clinical testing. Allele origin: germline.
Comment: This sequence change replaces glutamic acid, which is acidic and polar, with aspartic acid, which is acidic and polar, at codon 254 of the TRAF3IP1 protein (p.Glu254Asp). This variant is present in population databases (rs150462938, gnomAD 0.05%). This variant has not been reported in the literature in individuals affected with TRAF3IP1-related conditions. ClinVar contains an entry for this variant (Variation ID: 860633). Advanced modeling of protein sequence and biophysical properties (such as structural, functional, and spatial information, amino acid conservation, physicochemical variation, residue mobility, and thermodynamic stability) performed at Invitae indicates that this missense variant is not expected to disrupt TRAF3IP1 protein function with a negative predictive value of 80%. In summary, the available evidence is currently insufficient to determine the role of this variant in disease. Therefore, it has been classified as a Variant of Uncertain Significance.

Ambry Genetics
Classification: Uncertain significance for Inborn genetic diseases. Last evaluated: 2021-07-06. Review status: criteria provided, single submitter. Criteria: Ambry Variant Classification Scheme 2023. Collection method: clinical testing. Allele origin: germline.

NM_015650.4(TRAF3IP1):c.762G>T (p.Glu254Asp)

Gene: TRAF3IP1 (TRAF3 interacting protein 1; plus strand). Cytogenetic location: 2q37.3.
Variant type: single nucleotide variant.
Coding change: c.762G>T on transcript NM_015650.4 (MANE Select); coding-DNA position 762, G replaced by T.
Protein change: p.Glu254Asp; replaces glutamic acid 254 with aspartic acid.
Molecular consequence: missense variant.
Genome position (GRCh38, 1-based): chr2:238,329,189, G>T. VCF-style: chr2-238329189-G-T. GRCh37 (hg19) VCF-style: chr2-239237830-G-T.
Other names: c.762G>T, p.Glu254Asp (NM_001139490.1); short protein forms E254D.
Identifiers: ClinVar variation 860633 (VCV000860633.7), dbSNP rs150462938, ClinGen allele CA2198133.